The following is an entry in ClinVar:

NM_024426.6(WT1):c.1445C>A (p.Thr482Lys)

Gene: WT1 (WT1 transcription factor; minus strand). Cytogenetic location: 11p13.
Variant type: single nucleotide variant.
Coding change: c.1445C>A on transcript NM_024426.6 (MANE Select); coding-DNA position 1445, C replaced by A.
Protein change: p.Thr482Lys; replaces threonine 482 with lysine.
Molecular consequence: missense variant. On other transcripts: non-coding transcript variant (1), intron variant (9).
Genome position (GRCh38, 1-based): chr11:32,391,974, G>T on the plus strand (C>A on the coding strand, the complement: WT1 is on the minus strand). VCF-style: chr11-32391974-G-T. GRCh37 (hg19) VCF-style: chr11-32413520-G-T.
Other names: c.743C>A, p.Thr248Lys (NM_001198552.2); c.257C>A, p.Thr86Lys (NM_001367854.1); c.1394C>A, p.Thr465Lys (NM_001407045.1); c.1304C>A, p.Thr435Lys (NM_001407048.1); c.1271C>A, p.Thr424Lys (NM_001407050.1); c.683C>A, p.Thr228Lys (NM_001407051.1); c.1226C>A, p.Thr409Lys (NM_001429031.1); c.1175C>A, p.Thr392Lys (NM_001429033.1); and 9 more; short protein forms T248K, T409K, T477K, T228K, T482K, T424K, T435K, T465K.
Identifiers: ClinVar variation 4634876 (VCV004634876.1).

ClinVar aggregate classification (germline): Uncertain significance (1 of 4 stars; one submission).

Conditions:
Inborn genetic diseases. Identifiers: MedGen C0950123, MeSH D030342.

Submission:

Ambry Genetics
Classification: Uncertain significance for Inborn genetic diseases. Last evaluated: 2025-11-24. Review status: criteria provided, single submitter. Criteria: Ambry Variant Classification Scheme 2023. Collection method: clinical testing. Allele origin: germline.
Comment: The p.T477K variant (also known as c.1430C>A), located in coding exon 9 of the WT1 gene, results from a C to A substitution at nucleotide position 1430. The threonine at codon 477 is replaced by lysine, an amino acid with similar properties. This amino acid position is conserved. In addition, this alteration is predicted to be tolerated by in silico analysis. Based on the available evidence, the clinical significance of this variant remains unclear.